The following is an entry in ClinVar:

NM_004793.4(LONP1):c.1222G>A (p.Gly408Ser)

Gene: LONP1 (lon peptidase 1, mitochondrial; minus strand). Cytogenetic location: 19p13.3.
Variant type: single nucleotide variant.
Coding change: c.1222G>A on transcript NM_004793.4 (MANE Select); coding-DNA position 1222, G replaced by A.
Protein change: p.Gly408Ser; replaces glycine 408 with serine.
Molecular consequence: missense variant. On other transcripts: non-coding transcript variant (1).
Genome position (GRCh38, 1-based): chr19:5,705,917, C>T on the plus strand (G>A on the coding strand, the complement: LONP1 is on the minus strand). VCF-style: chr19-5705917-C-T. GRCh37 (hg19) VCF-style: chr19-5705928-C-T.
Other names: c.1030G>A, p.Gly344Ser (NM_001276479.2); c.634G>A, p.Gly212Ser (NM_001276480.1); short protein forms G212S, G344S, G408S.
Identifiers: ClinVar variation 4762343 (VCV004762343.1).

ClinVar aggregate classification (germline): Uncertain significance (1 of 4 stars; one submission).

gnomAD v4.1: 1 of 1,614,130 alleles (0.000062%); highest among the groups gnomAD compares: Non-Finnish European, 0.000085%; no homozygotes.

Submission:

Labcorp Genetics (formerly Invitae), Labcorp
Classification: Uncertain significance. Last evaluated: 2025-03-13. Review status: criteria provided, single submitter. Criteria: Invitae Variant Classification Sherloc (09022015). Collection method: clinical testing. Allele origin: germline.
Comment: This sequence change replaces glycine, which is neutral and non-polar, with serine, which is neutral and polar, at codon 408 of the LONP1 protein (p.Gly408Ser). This variant is not present in population databases (gnomAD no frequency). This variant has not been reported in the literature in individuals affected with LONP1-related conditions. Invitae Evidence Modeling of protein sequence and biophysical properties (such as structural, functional, and spatial information, amino acid conservation, physicochemical variation, residue mobility, and thermodynamic stability) has been performed for this missense variant. However, the output from this modeling did not meet the statistical confidence thresholds required to predict the impact of this variant on LONP1 protein function. In summary, the available evidence is currently insufficient to determine the role of this variant in disease. Therefore, it has been classified as a Variant of Uncertain Significance.